The following is an entry in ClinVar:

ClinVar aggregate classification (germline): Uncertain significance (1 of 4 stars; one submission).

Submission:

CeGaT Center for Human Genetics Tuebingen
Classification: Uncertain significance. Last evaluated: 2026-07-01. Review status: criteria provided, single submitter. Criteria: CeGaT Center For Human Genetics Tuebingen Variant Classification Criteria Version 2. Collection method: clinical testing. Allele origin: germline. Affected: yes. Observed: 1 variant allele.
Comment: TRIP13: PM2

NM_004237.4(TRIP13):c.226A>C (p.Ile76Leu)

Gene: TRIP13 (thyroid hormone receptor interactor 13; plus strand). Cytogenetic location: 5p15.33.
Variant type: single nucleotide variant.
Coding change: c.226A>C on transcript NM_004237.4 (MANE Select); coding-DNA position 226, A replaced by C.
Protein change: p.Ile76Leu; replaces isoleucine 76 with leucine.
Molecular consequence: missense variant.
Genome position (GRCh38, 1-based): chr5:894,920, A>C. VCF-style: chr5-894920-A-C. GRCh37 (hg19) VCF-style: chr5-895035-A-C.
Other names: c.226A>C, p.Ile76Leu (NM_001166260.2); short protein forms I76L.
Identifiers: ClinVar variation 5040086 (VCV005040086.1).
Genomic context (GRCh38, chr5:894,920, plus strand): 5'-TACACATGGACTGAGTTTGATGAACCTTTTTTGACCAGAAATGTGCAGTCTGTGTCTATT[A>C]TTGACACAGAATTAAAGGTTAAAGACTCACAGGTAAGTTACTAATTTGCTGGGCCAAGGA-3'
Protein context (NP_004228.1, residues 66-86): LTRNVQSVSI[Ile76Leu]DTELKVKDSQ